The following is an entry in ClinVar:

NM_000186.4(CFH):c.3531T>G (p.Tyr1177Ter)

Gene: CFH (complement factor H; plus strand). Cytogenetic location: 1q31.3.
Variant type: single nucleotide variant.
Coding change: c.3531T>G on transcript NM_000186.4 (MANE Select); coding-DNA position 3531, T replaced by G.
Protein change: p.Tyr1177Ter; replaces tyrosine 1177 with a stop codon.
Molecular consequence: nonsense.
Genome position (GRCh38, 1-based): chr1:196,747,148, T>G. VCF-style: chr1-196747148-T-G. GRCh37 (hg19) VCF-style: chr1-196716278-T-G.
Other names: short protein forms Y1177*.
Identifiers: ClinVar variation 1711233 (VCV001711233.30), dbSNP rs1438529897, ClinGen allele CA343987259.
Genomic context (GRCh38, chr1:196,747,148, plus strand): 5'-TGTTTACTGTTTTTTATTTTCAGATCCGTGTGTAATATCCCGAGAAATTATGGAAAATTA[T>G]AACATAGCATTAAGGTGGACAGCCAAACAGAAGCTTTATTCGAGAACAGGTGAATCAGTT-3'

ClinVar aggregate classification (germline): Likely pathogenic (1 of 4 stars; one submission).

Submission:

CeGaT Center for Human Genetics Tuebingen
Classification: Likely pathogenic. Last evaluated: 2022-09-01. Review status: criteria provided, single submitter. Criteria: CeGaT Center For Human Genetics Tuebingen Variant Classification Criteria Version 2. Collection method: clinical testing. Allele origin: germline. Affected: yes. Observed: 1 variant allele.
Comment: CFH: PVS1:Strong, PM2, PP4